The following is an entry in ClinVar:

NM_024664.4(PPCS):c.308C>G (p.Ser103Cys)

Genes: CCDC30 (coiled-coil domain containing 30; plus strand), PPCS (phosphopantothenoylcysteine synthetase; plus strand), LOC129930344 (ATAC-STARR-seq lymphoblastoid active region 894; plus strand). Cytogenetic location: 1p34.2.
Variant type: single nucleotide variant.
Coding change: c.308C>G on transcript NM_024664.4 (MANE Select); coding-DNA position 308, C replaced by G.
Protein change: p.Ser103Cys; replaces serine 103 with cysteine.
Molecular consequence: missense variant. On other transcripts: 5 prime UTR variant (1), intron variant (6).
Genome position (GRCh38, 1-based): chr1:42,456,873, C>G. VCF-style: chr1-42456873-C-G. GRCh37 (hg19) VCF-style: chr1-42922544-C-G.
Other names: c.-385C>G (NM_001287510.2); c.308C>G, p.Ser103Cys (NM_001287511.2); c.-984+374C>G (NM_001355226.2); c.-328+374C>G (NM_001287507.1); c.-12+374C>G (NM_001287506.1); c.-12+149C>G (NM_001287508.2); c.-12+245C>G (NM_001077447.3); c.-12+290C>G (NM_001287509.2); short protein forms S103C.
Identifiers: ClinVar variation 1447868 (VCV001447868.7), dbSNP rs541879970, ClinGen allele CA799945.

ClinVar aggregate classification (germline): Uncertain significance. Review status: criteria provided, multiple submitters, no conflicts (2 of 4 stars). 2 submissions from 2 submitters: Uncertain significance (2). Last evaluated 2023-12-12.

Conditions:
Inborn genetic diseases. Identifiers: MedGen C0950123, MeSH D030342.

Allele frequency attached by ClinVar (database versions not stated): gnomAD exomes 0.00001 and 0.00005; 1000 Genomes Project 30x 0.00016; ExAC 0.00002; TOPMed 0.00002; 1000 Genomes Project 0.00020; gnomAD 0.00001 and 0.00003.
gnomAD v4.1: 83 of 1,613,376 alleles (0.0051%); highest among the groups gnomAD compares: East Asian, 0.047%; no homozygotes.

Submissions (2):

Ambry Genetics
Classification: Uncertain significance for Inborn genetic diseases. Last evaluated: 2023-12-12. Review status: criteria provided, single submitter. Criteria: Ambry Variant Classification Scheme 2023. Collection method: clinical testing. Allele origin: germline.

Labcorp Genetics (formerly Invitae), Labcorp
Classification: Uncertain significance. Last evaluated: 2021-08-26. Review status: criteria provided, single submitter. Criteria: Invitae Variant Classification Sherloc (09022015). Collection method: clinical testing. Allele origin: germline.
Comment: This sequence change replaces serine with cysteine at codon 103 of the PPCS protein (p.Ser103Cys). The serine residue is weakly conserved and there is a moderate physicochemical difference between serine and cysteine. This variant is present in population databases (rs541879970, ExAC 0.01%). This variant has not been reported in the literature in individuals affected with PPCS-related conditions. Algorithms developed to predict the effect of missense changes on protein structure and function are either unavailable or do not agree on the potential impact of this missense change (SIFT: "Deleterious"; PolyPhen-2: "Benign"; Align-GVGD: "Class C0"). In summary, the available evidence is currently insufficient to determine the role of this variant in disease. Therefore, it has been classified as a Variant of Uncertain Significance.